The following is an entry in ClinVar:

NM_000321.3(RB1):c.788T>A (p.Ile263Lys)

Gene: RB1 (RB transcriptional corepressor 1; plus strand). Cytogenetic location: 13q14.2.
Variant type: single nucleotide variant.
Coding change: c.788T>A on transcript NM_000321.3 (MANE Select); coding-DNA position 788, T replaced by A.
Protein change: p.Ile263Lys; replaces isoleucine 263 with lysine.
Molecular consequence: missense variant.
Genome position (GRCh38, 1-based): chr13:48,362,884, T>A. VCF-style: chr13-48362884-T-A. GRCh37 (hg19) VCF-style: chr13-48937020-T-A.
Other names: c.788T>A, p.Ile263Lys (NM_001407165.1, NM_001407166.1); short protein forms I263K.
Identifiers: ClinVar variation 5027982 (VCV005027982.1).

ClinVar aggregate classification (germline): Uncertain significance (1 of 4 stars; one submission).

Conditions:
Hereditary cancer-predisposing syndrome. Also called: Neoplastic Syndromes, Hereditary; Tumor predisposition; Hereditary neoplastic syndrome; Hereditary Cancer Syndrome. Identifiers: Orphanet 140162, MedGen C0027672, MeSH D009386, MONDO:0015356.

Submission:

Ambry Genetics
Classification: Uncertain significance for Hereditary cancer-predisposing syndrome. Last evaluated: 2026-08-16. Review status: criteria provided, single submitter. Criteria: Ambry Variant Classification Scheme 2023. Collection method: clinical testing. Allele origin: germline.
Comment: The p.I263K variant (also known as c.788T>A), located in coding exon 8 of the RB1 gene, results from a T to A substitution at nucleotide position 788. The isoleucine at codon 263 is replaced by lysine, an amino acid with dissimilar properties. This amino acid position is conserved. In addition, the in silico prediction for this alteration is inconclusive. Based on the available evidence, the clinical significance of this variant remains unclear.